The following is an entry in ClinVar:

ClinVar aggregate classification (germline): Conflicting classifications of pathogenicity. Review status: criteria provided, conflicting classifications (1 of 4 stars). 3 submissions from 3 submitters: Likely pathogenic (1); Uncertain significance (2). Last evaluated 2024-02-05.

Conditions:
Cone-rod dystrophy 15 (CORD15). Identifiers: MedGen C3150912, MONDO:0013348, OMIM 613660.
CDHR1-related disorders.

Submissions (3):

Blueprint Genetics
Classification: Likely pathogenic for CDHR1-related disorders. Last evaluated: 2024-02-05. Review status: criteria provided, single submitter. Criteria: ACMG Guidelines, 2015. Collection method: clinical testing. Allele origin: germline. Affected: yes. Observed: 5 variant alleles.

Labcorp Genetics (formerly Invitae), Labcorp
Classification: Uncertain significance. Last evaluated: 2022-10-13. Review status: criteria provided, single submitter. Criteria: Invitae Variant Classification Sherloc (09022015). Collection method: clinical testing. Allele origin: germline.
Comment: This sequence change creates a premature translational stop signal (p.Thr804Profs*12) in the CDHR1 gene. While this is not anticipated to result in nonsense mediated decay, it is expected to disrupt the last 56 amino acid(s) of the CDHR1 protein. This variant is present in population databases (no rsID available, gnomAD 0.1%). This variant has not been reported in the literature in individuals affected with CDHR1-related conditions. ClinVar contains an entry for this variant (Variation ID: 861808). Experimental studies and prediction algorithms are not available or were not evaluated, and the functional significance of this variant is currently unknown. In summary, the available evidence is currently insufficient to determine the role of this variant in disease. Therefore, it has been classified as a Variant of Uncertain Significance.

Department of Pathology and Laboratory Medicine, Sinai Health System
Classification: Uncertain significance for cone-rod dystrophy 15. Last evaluated: 2022-04-26. Review status: criteria provided, single submitter. Criteria: ACMG Guidelines, 2015. Collection method: research. Allele origin: germline.

NM_033100.4(CDHR1):c.2410_2485del (p.Thr804fs)

Gene: CDHR1 (cadherin related family member 1; plus strand). Cytogenetic location: 10q23.1.
Variant type: Deletion.
Coding change: c.2410_2485del on transcript NM_033100.4 (MANE Select); coding-DNA positions 2410 to 2485, 76 bases deleted.
Protein change: p.Thr804fs; shifts the reading frame from threonine 804.
Molecular consequence: frameshift variant. On other transcripts: intron variant (1).
Genome position (GRCh38, 1-based): chr10:84,214,451-84,214,526, 76 bases deleted. GRCh37 (hg19): chr10:85,974,207-85,974,282.
Other names: c.2040+1103_2040+1178del (NM_001171971.3); short protein forms T804fs.
Identifiers: ClinVar variation 861808 (VCV000861808.8), dbSNP rs1564666557, ClinGen allele CA5580219.